The following is an entry in ClinVar:

NM_014846.4(WASHC5):c.3145G>A (p.Ala1049Thr)

Gene: WASHC5 (WASH complex subunit 5; minus strand). Cytogenetic location: 8q24.13.
Variant type: single nucleotide variant.
Coding change: c.3145G>A on transcript NM_014846.4 (MANE Select); coding-DNA position 3145, G replaced by A.
Protein change: p.Ala1049Thr; replaces alanine 1049 with threonine.
Molecular consequence: missense variant.
Genome position (GRCh38, 1-based): chr8:125,037,273, C>T on the plus strand (G>A on the coding strand, the complement: WASHC5 is on the minus strand). VCF-style: chr8-125037273-C-T. GRCh37 (hg19) VCF-style: chr8-126049515-C-T.
Other names: c.2701G>A, p.Ala901Thr (NM_001330609.2); short protein forms A1049T, A901T.
Identifiers: ClinVar variation 1677890 (VCV001677890.4), dbSNP rs375664674, ClinGen allele CA4873303.

ClinVar aggregate classification (germline): Uncertain significance. Review status: criteria provided, multiple submitters, no conflicts (2 of 4 stars). 2 submissions from 2 submitters: Uncertain significance (2). Last evaluated 2024-01-19.

Conditions:
Hereditary spastic paraplegia 8 (SPG8). Also called: SPASTIC PARAPLEGIA 8, AUTOSOMAL DOMINANT. Identifiers: Orphanet 100989, MedGen C1863704, MONDO:0011339, OMIM 603563.
Ritscher-Schinzel syndrome. Also called: CRANIOCEREBELLOCARDIAC DYSPLASIA. Identifiers: Orphanet 7, MedGen C0796137, MONDO:0019078.

Allele frequency attached by ClinVar (database versions not stated): gnomAD 0.00001; TOPMed 0.00001; ESP Exome Variant Server 0.00008.
gnomAD v4.1: 50 of 1,611,780 alleles (0.0031%); highest among the groups gnomAD compares: South Asian, 0.027%; 1 homozygote.

Submissions (2):

Labcorp Genetics (formerly Invitae), Labcorp
Classification: Uncertain significance for Ritscher-Schinzel syndrome; Hereditary spastic paraplegia 8. Last evaluated: 2024-01-19. Review status: criteria provided, single submitter. Criteria: Invitae Variant Classification Sherloc (09022015). Collection method: clinical testing. Allele origin: germline.
Comment: This sequence change replaces alanine, which is neutral and non-polar, with threonine, which is neutral and polar, at codon 1049 of the WASHC5 protein (p.Ala1049Thr). This variant is present in population databases (rs375664674, gnomAD 0.02%). This variant has not been reported in the literature in individuals affected with WASHC5-related conditions. ClinVar contains an entry for this variant (Variation ID: 1677890). Advanced modeling of protein sequence and biophysical properties (such as structural, functional, and spatial information, amino acid conservation, physicochemical variation, residue mobility, and thermodynamic stability) performed at Invitae indicates that this missense variant is not expected to disrupt WASHC5 protein function with a negative predictive value of 80%. In summary, the available evidence is currently insufficient to determine the role of this variant in disease. Therefore, it has been classified as a Variant of Uncertain Significance.

AiLife Diagnostics
Classification: Uncertain significance. Last evaluated: 2022-02-04. Review status: criteria provided, single submitter. Criteria: ACMG Guidelines, 2015. Collection method: clinical testing. Allele origin: germline. Affected: yes. Observed: 1 variant allele.